The following is an entry in ClinVar:

ClinVar aggregate classification (germline): Uncertain significance. Review status: criteria provided, single submitter (1 of 4 stars). 2 submissions from 2 submitters: Uncertain significance (1). 1 of the submissions does not count toward it. Last evaluated 2025-02-04.

Conditions:
KIDINS220-related disorder. Also called: KIDINS220-related condition.

Allele frequency attached by ClinVar (database versions not stated): gnomAD exomes 0.00001; ExAC 0.00002; gnomAD 0.00007; ESP Exome Variant Server 0.00008; 1000 Genomes Project 30x 0.00016; 1000 Genomes Project 0.00020.
gnomAD v4.1: 30 of 1,614,046 alleles (0.0019%); highest among the groups gnomAD compares: African/African-American, 0.02%; no homozygotes.

Submissions (2):

Labcorp Genetics (formerly Invitae), Labcorp
Classification: Uncertain significance. Last evaluated: 2025-02-04. Review status: criteria provided, single submitter. Criteria: Invitae Variant Classification Sherloc (09022015). Collection method: clinical testing. Allele origin: germline.
Comment: This sequence change replaces proline, which is neutral and non-polar, with leucine, which is neutral and non-polar, at codon 1300 of the KIDINS220 protein (p.Pro1300Leu). This variant is present in population databases (rs372587282, gnomAD 0.02%). This variant has not been reported in the literature in individuals affected with KIDINS220-related conditions. ClinVar contains an entry for this variant (Variation ID: 2185804). An algorithm developed to predict the effect of missense changes on protein structure and function (PolyPhen-2) suggests that this variant is likely to be tolerated. In summary, the available evidence is currently insufficient to determine the role of this variant in disease. Therefore, it has been classified as a Variant of Uncertain Significance.

PreventionGenetics, part of Exact Sciences
Classification: Uncertain significance for KIDINS220-related condition. Last evaluated: 2023-11-02. Review status: no assertion criteria provided. Collection method: clinical testing. Allele origin: germline. Not counted in ClinVar's aggregate classification.
Comment: The KIDINS220 c.3899C>T variant is predicted to result in the amino acid substitution p.Pro1300Leu. To our knowledge, this variant has not been reported in the literature. This variant is reported in 0.019% of alleles in individuals of African descent in gnomAD. At this time, the clinical significance of this variant is uncertain due to the absence of conclusive functional and genetic evidence.

NM_020738.4(KIDINS220):c.3899C>T (p.Pro1300Leu)

Gene: KIDINS220 (kinase D interacting substrate 220; minus strand). Cytogenetic location: 2p25.1.
Variant type: single nucleotide variant.
Coding change: c.3899C>T on transcript NM_020738.4 (MANE Select); coding-DNA position 3899, C replaced by T.
Protein change: p.Pro1300Leu; replaces proline 1300 with leucine.
Molecular consequence: missense variant. On other transcripts: non-coding transcript variant (2).
Genome position (GRCh38, 1-based): chr2:8,733,598, G>A on the plus strand (C>T on the coding strand, the complement: KIDINS220 is on the minus strand). VCF-style: chr2-8733598-G-A. GRCh37 (hg19) VCF-style: chr2-8873728-G-A.
Other names: c.3902C>T, p.Pro1301Leu (NM_001348729.2); c.3845C>T, p.Pro1282Leu (NM_001348731.2); c.3842C>T, p.Pro1281Leu (NM_001348732.2, NM_001348738.2); c.3731C>T, p.Pro1244Leu (NM_001348734.2, NM_001348739.2, NM_001348740.2); c.3728C>T, p.Pro1243Leu (NM_001348735.2, NM_001348741.2, NM_001348742.2 and 1 more transcripts); c.3602C>T, p.Pro1201Leu (NM_001348736.2); c.3899C>T (NM_020738.2); short protein forms P1201L, P1282L, P1300L, P1243L, P1244L, P1281L, P1301L.
Identifiers: ClinVar variation 2185804 (VCV002185804.5), dbSNP rs372587282, ClinGen allele CA1519485.
Genomic context (GRCh38, chr2:8,733,598, plus strand): 5'-CTGGAGAGCTCGGTGTGAGGCAGCTCGTTGTGGGAAGCGCGGCGAGCAGGCTCACCGTGC[G>A]GGGCTGGGCCACTGCTGCTCTCACTGAGGAAACGTGGGTCTTCAGGGACCACGTGGCTTT-3'
Protein context (NP_065789.1, residues 1290-1310): FLSESSSGPA[Pro1300Leu]HGEPARRASH